The following is an entry in ClinVar:

NM_022098.4(XPNPEP3):c.*467C>T

Gene: XPNPEP3 (X-prolyl aminopeptidase 3; plus strand). Cytogenetic location: 22q13.2.
Variant type: single nucleotide variant.
Coding change: c.*467C>T on transcript NM_022098.4 (MANE Select); 467 bases downstream of the stop codon, C replaced by T.
Molecular consequence: 3 prime UTR variant.
Genome position (GRCh38, 1-based): chr22:40,926,902, C>T. VCF-style: chr22-40926902-C-T. GRCh37 (hg19) VCF-style: chr22-41322906-C-T.
Identifiers: ClinVar variation 341682 (VCV000341682.6), dbSNP rs12169203, ClinGen allele CA10653510.

ClinVar aggregate classification (germline): Benign. Review status: criteria provided, multiple submitters, no conflicts (2 of 4 stars). 2 submissions from 2 submitters: Benign (2). Last evaluated 2018-01-12.

Conditions:
Nephronophthisis-like nephropathy 1 (NPHPL1). Identifiers: Orphanet 655, MedGen C3150419, MONDO:0013163, OMIM 613159.

Allele frequency attached by ClinVar (database versions not stated): gnomAD exomes 0.00319; gnomAD 0.04480 and 0.04815; 1000 Genomes Project 0.04533; 1000 Genomes Project 30x 0.04747; TOPMed 0.04988.
gnomAD v4.1: 7,030 of 236,820 alleles (3%); highest among the groups gnomAD compares: African/African-American, 15%; 498 homozygotes.

Submissions (2):

Illumina Laboratory Services, Illumina
Classification: Benign for Nephronophthisis-like nephropathy 1. Last evaluated: 2018-01-12. Review status: criteria provided, single submitter. Criteria: ICSL Variant Classification Criteria 13 December 2019. Collection method: clinical testing. Allele origin: germline.
Comment: This variant was observed in the ICSL laboratory as part of a predisposition screen in an ostensibly healthy population. It had not been previously curated by ICSL or reported in the Human Gene Mutation Database (HGMD: prior to June 1st, 2018), and was therefore a candidate for classification through an automated scoring system. Utilizing variant allele frequency, disease prevalence and penetrance estimates, and inheritance mode, an automated score was calculated to assess if this variant is too frequent to cause the disease. Based on the score and internal cut-off values, a variant classified as benign is not then subjected to further curation. The score for this variant resulted in a classification of benign for this disease.

Breakthrough Genomics
Classification: Benign. Review status: criteria provided, single submitter. Criteria: ACMG Guidelines, 2015. Collection method: not provided. Allele origin: germline. Inheritance: Autosomal recessive inheritance. Affected: yes.